The following is an entry in ClinVar:

ClinVar aggregate classification (germline): Uncertain significance. Review status: criteria provided, multiple submitters, no conflicts (2 of 4 stars). 6 submissions from 6 submitters: Uncertain significance (6). Last evaluated 2026-03-27.

Conditions:
Catecholaminergic polymorphic ventricular tachycardia 1. Also called: RYR2-Related Catecholaminergic Polymorphic Ventricular Tachycardia; VENTRICULAR TACHYCARDIA, STRESS-INDUCED POLYMORPHIC 1; VENTRICULAR TACHYCARDIA, CATECHOLAMINERGIC POLYMORPHIC, 1, WITH OR WITHOUT ATRIAL DYSFUNCTION AND/OR DILATED CARDIOMYOPATHY. Identifiers: Orphanet 3286, MedGen C1631597, MONDO:0011484, OMIM 604772.
Arrhythmogenic right ventricular dysplasia 2. Identifiers: MedGen C1832931.
Ventricular arrhythmias due to cardiac ryanodine receptor calcium release deficiency syndrome. Also called: Autosomal dominant cardiac arrhythmia (Kuhn). Identifiers: MedGen C5542154, MONDO:0020745, OMIM 115000.
Cardiomyopathy (CMYO). Also called: Cardiomyopathies. Identifiers: Orphanet 167848, MedGen C0878544, MONDO:0004994, HP:0001638. Inheritance: Various modes of inheritance.
Cardiovascular phenotype. Identifiers: MedGen CN230736.

Allele frequency attached by ClinVar (database versions not stated): gnomAD 0.00001; gnomAD exomes 0.00001; TOPMed 0.00001; ESP Exome Variant Server 0.00008.
gnomAD v4.1: 8 of 1,607,882 alleles (0.0005%); highest among the groups gnomAD compares: Non-Finnish European, 0.00068%; no homozygotes.

Submissions (6):

Molecular Diagnostic Laboratory for Inherited Cardiovascular Disease, Montreal Heart Institute
Classification: Uncertain significance for Cardiovascular phenotype. Last evaluated: 2026-03-27. Review status: criteria provided, single submitter. Criteria: ACMG Guidelines, 2015. Collection method: clinical testing. Allele origin: germline. Affected: yes.
Comment: PM2, PP2, PP3

Labcorp Genetics (formerly Invitae), Labcorp
Classification: Uncertain significance for Catecholaminergic polymorphic ventricular tachycardia 1. Last evaluated: 2026-01-19. Review status: criteria provided, single submitter. Criteria: Invitae Variant Classification Sherloc (09022015). Collection method: clinical testing. Allele origin: germline.
Comment: This sequence change replaces leucine, which is neutral and non-polar, with phenylalanine, which is neutral and non-polar, at codon 3366 of the RYR2 protein (p.Leu3366Phe). This variant is present in population databases (rs377712921, gnomAD 0.007%). This variant has not been reported in the literature in individuals affected with RYR2-related conditions. ClinVar contains an entry for this variant (Variation ID: 222792). Invitae Evidence Modeling of protein sequence and biophysical properties (such as structural, functional, and spatial information, amino acid conservation, physicochemical variation, residue mobility, and thermodynamic stability) indicates that this missense variant is expected to disrupt RYR2 protein function with a positive predictive value of 95%. In summary, the available evidence is currently insufficient to determine the role of this variant in disease. Therefore, it has been classified as a Variant of Uncertain Significance.

Color Diagnostics, LLC DBA Color Health
Classification: Uncertain significance for Cardiomyopathy. Last evaluated: 2025-08-27. Review status: criteria provided, single submitter. Criteria: ACMG Guidelines, 2015. Collection method: clinical testing. Allele origin: germline.
Comment: This missense variant replaces leucine with phenylalanine at codon 3366 of the RYR2 protein. Computational prediction suggests that this variant may have deleterious impact on protein structure and function. To our knowledge, functional studies have not been reported for this variant. This variant has not been reported in individuals affected with RYR2-related disorders in the literature. This variant has been identified in 1/31394 chromosomes in the general population by the Genome Aggregation Database (gnomAD). The available evidence is insufficient to determine the role of this variant in disease conclusively. Therefore, this variant is classified as a Variant of Uncertain Significance.

Blueprint Genetics
Classification: Uncertain significance. Last evaluated: 2024-06-12. Review status: criteria provided, single submitter. Criteria: ACMG Guidelines, 2015. Collection method: clinical testing. Allele origin: germline.

Women's Health and Genetics/Laboratory Corporation of America, LabCorp
Classification: Uncertain significance. Last evaluated: 2022-06-21. Review status: criteria provided, single submitter. Criteria: LabCorp Variant Classification Summary - May 2015. Collection method: clinical testing. Allele origin: germline.
Comment: Variant summary: RYR2 c.10096C>T (p.Leu3366Phe) results in a non-conservative amino acid change in the encoded protein sequence. Five of five in-silico tools predict a damaging effect of the variant on protein function. The variant was absent in 246724 control chromosomes (gnomAD). The available data on variant occurrences in the general population are insufficient to allow any conclusion about variant significance. Two clinical diagnostic laboratories have submitted clinical-significance assessments for this variant to ClinVar after 2014 and classified the variant as uncertain significance. Based on the evidence outlined above, the variant was classified as uncertain significance.

Fulgent Genetics
Classification: Uncertain significance for Ventricular arrhythmias due to cardiac ryanodine receptor calcium release deficiency syndrome; Catecholaminergic polymorphic ventricular tachycardia 1. Last evaluated: 2021-09-14. Review status: criteria provided, single submitter. Criteria: ACMG Guidelines, 2015. Collection method: clinical testing. Allele origin: unknown.

Literature cited by the submitters: PubMed 25041964 (cited by Women's Health and Genetics/Laboratory Corporation of America, LabCorp).

NM_001035.3(RYR2):c.10096C>T (p.Leu3366Phe)

Gene: RYR2 (ryanodine receptor 2; plus strand). Cytogenetic location: 1q43.
Variant type: single nucleotide variant.
Coding change: c.10096C>T on transcript NM_001035.3 (MANE Select); coding-DNA position 10096, C replaced by T.
Protein change: p.Leu3366Phe; replaces leucine 3366 with phenylalanine.
Molecular consequence: missense variant.
Genome position (GRCh38, 1-based): chr1:237,709,052, C>T. VCF-style: chr1-237709052-C-T. GRCh37 (hg19) VCF-style: chr1-237872352-C-T.
Other names: c.10096C>T, p.Leu3366Phe (LRG_402t1); short protein forms L3366F.
Identifiers: ClinVar variation 222792 (VCV000222792.12), dbSNP rs377712921, ClinGen allele CA077202.